The following is an entry in ClinVar:

ClinVar aggregate classification (germline): Benign. Review status: criteria provided, multiple submitters, no conflicts (2 of 4 stars). 4 submissions from 4 submitters: Benign (3). 1 of the submissions does not count toward it. Last evaluated 2020-04-28.

Allele frequency attached by ClinVar (database versions not stated): gnomAD exomes 0.00643; gnomAD 0.02612 and 0.02419; ESP Exome Variant Server 0.02753; 1000 Genomes Project 0.02855; 1000 Genomes Project 30x 0.02998; ExAC 0.00765; TOPMed 0.02785.
gnomAD v4.1: 7,268 of 1,614,064 alleles (0.45%); highest among the groups gnomAD compares: African/African-American, 8.6%; 288 homozygotes.

Submissions (4):

GeneDx
Classification: Benign. Last evaluated: 2020-04-28. Review status: criteria provided, single submitter. Criteria: GeneDx Variant Classification Process June 2021. Collection method: clinical testing. Allele origin: germline. Affected: yes.
Comment: This variant is associated with the following publications: (PMID: 31642954)

Labcorp Genetics (formerly Invitae), Labcorp
Classification: Benign. Last evaluated: 2018-08-20. Review status: criteria provided, single submitter. Criteria: Invitae Variant Classification Sherloc (09022015). Collection method: clinical testing. Allele origin: germline.

Breakthrough Genomics
Classification: Benign. Review status: criteria provided, single submitter. Criteria: ACMG Guidelines, 2015. Collection method: not provided. Allele origin: germline. Inheritance: Unknown mechanism. Affected: yes.

OMIM
Classification: Uncertain significance for VARIANT OF UNKNOWN SIGNIFICANCE. Last evaluated: 2022-03-09. Review status: no assertion criteria provided. Collection method: literature only. Allele origin: germline. Not counted in ClinVar's aggregate classification.

Literature cited by the submitters: PubMed 31642954 (cited by OMIM).

NM_006433.5(GNLY):c.11G>A (p.Trp4Ter)

Gene: GNLY (granulysin; plus strand). Cytogenetic location: 2p11.2.
Variant type: single nucleotide variant.
Coding change: c.11G>A on transcript NM_006433.5 (MANE Select); coding-DNA position 11, G replaced by A.
Protein change: p.Trp4Ter; replaces tryptophan 4 with a stop codon.
Molecular consequence: nonsense. On other transcripts: 5 prime UTR variant (1).
Genome position (GRCh38, 1-based): chr2:85,694,429, G>A. VCF-style: chr2-85694429-G-A. GRCh37 (hg19) VCF-style: chr2-85921552-G-A.
Other names: GNLY, TRP4TER (rs10181739); c.11G>A, p.Trp4Ter (NM_001302758.2); c.-279G>A (NM_012483.4); short protein forms W4*.
Identifiers: ClinVar variation 780828 (VCV000780828.7), dbSNP rs10181739, ClinGen allele CA1744221.
Genomic context (GRCh38, chr2:85,694,429, plus strand): 5'-TCCCTGCCCATAAAACAGGGTGTGAAAGGCATCTCAGCGGCTGCCCCACCATGGCTACCT[G>A]GGCCCTCCTGCTCCTTGCAGCCATGCTCCTGGGCAACCCAGGTAAGGCCTTCCCCTCGGG-3'